The following is an entry in ClinVar:

ClinVar aggregate classification (germline): Uncertain significance (1 of 4 stars; one submission).

Allele frequency attached by ClinVar (database versions not stated): gnomAD exomes below 0.00001; ExAC 0.00001; gnomAD 0.00001; 1000 Genomes Project 0.00020; 1000 Genomes Project 30x 0.00031.
gnomAD v4.1: 2 of 1,614,178 alleles (0.00012%); highest among the groups gnomAD compares: African/African-American, 0.0027%; no homozygotes.

Submission:

Labcorp Genetics (formerly Invitae), Labcorp
Classification: Uncertain significance. Last evaluated: 2022-08-16. Review status: criteria provided, single submitter. Criteria: Invitae Variant Classification Sherloc (09022015). Collection method: clinical testing. Allele origin: germline.
Comment: ClinVar contains an entry for this variant (Variation ID: 1385814). In summary, the available evidence is currently insufficient to determine the role of this variant in disease. Therefore, it has been classified as a Variant of Uncertain Significance. Variants that disrupt the consensus splice site are a relatively common cause of aberrant splicing (PMID: 17576681, 9536098). Algorithms developed to predict the effect of sequence changes on RNA splicing suggest that this variant may disrupt the consensus splice site. This variant has not been reported in the literature in individuals affected with EFEMP1-related conditions. This variant is present in population databases (rs577745384, gnomAD 0.007%). This sequence change falls in intron 3 of the EFEMP1 gene. It does not directly change the encoded amino acid sequence of the EFEMP1 protein. It affects a nucleotide within the consensus splice site.

Literature cited by the submitters: PubMed 17576681; PubMed 9536098.

NM_001039348.3(EFEMP1):c.82-3C>T

Gene: EFEMP1 (EGF-like fibulin extracellular matrix protein 1; minus strand). Cytogenetic location: 2p16.1.
Variant type: single nucleotide variant.
Coding change: c.82-3C>T on transcript NM_001039348.3 (MANE Select); 3 bases into the intron before coding-DNA position 82, C replaced by T.
Molecular consequence: intron variant.
Genome position (GRCh38, 1-based): chr2:55,918,270, G>A on the plus strand (C>T on the coding strand, the complement: EFEMP1 is on the minus strand). VCF-style: chr2-55918270-G-A. GRCh37 (hg19) VCF-style: chr2-56145405-G-A.
Other names: c.82-3C>T (NM_001039349.3).
Identifiers: ClinVar variation 1385814 (VCV001385814.6), dbSNP rs577745384, ClinGen allele CA1669022.